The following is an entry in ClinVar:

ClinVar aggregate classification (germline): Likely benign (1 of 4 stars; one submission).

Allele frequency attached by ClinVar (database versions not stated): 1000 Genomes Project 0.00160; 1000 Genomes Project 30x 0.00187; ESP Exome Variant Server 0.00210; gnomAD 0.00275; ExAC 0.00282; gnomAD exomes 0.00366.
gnomAD v4.1: 5,739 of 1,612,534 alleles (0.36%); highest among the groups gnomAD compares: Non-Finnish European, 0.41%; 18 homozygotes.

Submission:

CeGaT Center for Human Genetics Tuebingen
Classification: Likely benign. Last evaluated: 2023-01-01. Review status: criteria provided, single submitter. Criteria: CeGaT Center For Human Genetics Tuebingen Variant Classification Criteria Version 2. Collection method: clinical testing. Allele origin: germline. Affected: yes. Observed: 1 variant allele.
Comment: NES: BP4, BP7

NM_006617.2(NES):c.24G>A (p.Glu8=)

Gene: NES (nestin; minus strand). Cytogenetic location: 1q23.1.
Variant type: single nucleotide variant.
Coding change: c.24G>A on transcript NM_006617.2 (MANE Select); coding-DNA position 24, G replaced by A.
Protein change: p.Glu8=; no amino-acid change (glutamic acid 8 retained).
Molecular consequence: synonymous variant.
Genome position (GRCh38, 1-based): chr1:156,677,241, C>T on the plus strand (G>A on the coding strand, the complement: NES is on the minus strand). VCF-style: chr1-156677241-C-T. GRCh37 (hg19) VCF-style: chr1-156647033-C-T.
Identifiers: ClinVar variation 2639462 (VCV002639462.24), dbSNP rs190174455, ClinGen allele CA1165392.